The following is an entry in ClinVar:

ClinVar aggregate classification (germline): other (0 of 4 stars; one submission).

Conditions:
Familial colorectal cancer. Identifiers: MedGen CN280943, MONDO:0023113. Disease mechanism: loss of function.

Submission:

Systems Biology Platform Zhejiang California International NanoSystems Institute
Classification: other for Familial colorectal cancer. Review status: no assertion criteria provided. Collection method: not provided. Allele origin: unknown.
ClinVar note: Converted during submission from cancer to other.

NM_000038.6(APC):c.835-1654T>C

Gene: APC (APC regulator of WNT signaling pathway; plus strand). Cytogenetic location: 5q22.2.
Variant type: single nucleotide variant.
Coding change: c.835-1654T>C on transcript NM_000038.6 (MANE Select); 1654 bases into the intron before coding-DNA position 835, T replaced by C.
Molecular consequence: intron variant.
Genome position (GRCh38, 1-based): chr5:112,813,841, T>C. VCF-style: chr5-112813841-T-C. GRCh37 (hg19) VCF-style: chr5-112149538-T-C.
Other names: c.835-1654T>C (NM_001354895.2, NM_001127510.3, NM_001354896.2 and 1 more transcripts); c.865-1654T>C (NM_001354897.2, NM_001354902.2); c.781-1654T>C (NM_001127511.3); c.760-1654T>C (NM_001354898.2, NM_001354904.2); c.-15-1654T>C (NM_001354906.2); c.751-1654T>C (NM_001354899.2); c.658-1654T>C (NM_001354900.2, NM_001354901.2, NM_001354905.2).
Identifiers: ClinVar variation 82552 (VCV000082552.2), dbSNP rs78071534, ClinGen allele CA015095.